The following is an entry in ClinVar:

NM_006060.6(IKZF1):c.1339G>A (p.Asp447Asn)

Gene: IKZF1 (IKAROS family zinc finger 1; plus strand). Cytogenetic location: 7p12.2.
Variant type: single nucleotide variant.
Coding change: c.1339G>A on transcript NM_006060.6 (MANE Select); coding-DNA position 1339, G replaced by A.
Protein change: p.Asp447Asn; replaces aspartic acid 447 with asparagine.
Molecular consequence: missense variant.
Genome position (GRCh38, 1-based): chr7:50,400,406, G>A. VCF-style: chr7-50400406-G-A. GRCh37 (hg19) VCF-style: chr7-50468104-G-A.
Other names: c.1213G>A, p.Asp405Asn (NM_001220765.3, NM_001291837.2); c.1048G>A, p.Asp350Asn (NM_001220767.2); c.1078G>A, p.Asp360Asn (NM_001220768.2, NM_001291838.2); c.922G>A, p.Asp308Asn (NM_001220770.2); c.910G>A, p.Asp304Asn (NM_001220771.2, NM_001291841.1); c.952G>A, p.Asp318Asn (NM_001291839.2); c.649G>A, p.Asp217Asn (NM_001291840.1); c.880G>A, p.Asp294Asn (NM_001291842.1); and 3 more; short protein forms D252N, D262N, D294N, D308N, D350N, D405N, D467N, D304N.
Identifiers: ClinVar variation 2866679 (VCV002866679.3), dbSNP rs754054403, ClinGen allele CA4261496.

ClinVar aggregate classification (germline): Uncertain significance (1 of 4 stars; one submission).

Allele frequency attached by ClinVar (database versions not stated): ExAC 0.00001.

Submission:

Labcorp Genetics (formerly Invitae), Labcorp
Classification: Uncertain significance. Last evaluated: 2023-06-15. Review status: criteria provided, single submitter. Criteria: Invitae Variant Classification Sherloc (09022015). Collection method: clinical testing. Allele origin: germline.
Comment: An algorithm developed to predict the effect of missense changes on protein structure and function (PolyPhen-2) suggests that this variant is likely to be disruptive. In summary, the available evidence is currently insufficient to determine the role of this variant in disease. Therefore, it has been classified as a Variant of Uncertain Significance. This variant has not been reported in the literature in individuals affected with IKZF1-related conditions. This sequence change replaces aspartic acid, which is acidic and polar, with asparagine, which is neutral and polar, at codon 447 of the IKZF1 protein (p.Asp447Asn). The frequency data for this variant in the population databases is considered unreliable, as metrics indicate poor data quality at this position in the gnomAD database.